The following is an entry in ClinVar:

NM_014915.3(ANKRD26):c.4200T>A (p.Asn1400Lys)

Gene: ANKRD26 (ankyrin repeat domain 26; minus strand). Cytogenetic location: 10p12.1.
Variant type: single nucleotide variant.
Coding change: c.4200T>A on transcript NM_014915.3 (MANE Select); coding-DNA position 4200, T replaced by A.
Protein change: p.Asn1400Lys; replaces asparagine 1400 with lysine.
Molecular consequence: missense variant.
Genome position (GRCh38, 1-based): chr10:27,022,573, A>T on the plus strand (T>A on the coding strand, the complement: ANKRD26 is on the minus strand). VCF-style: chr10-27022573-A-T. GRCh37 (hg19) VCF-style: chr10-27311502-A-T.
Other names: c.4197T>A, p.Asn1399Lys (NM_001256053.2); short protein forms N1400K, N1399K.
Identifiers: ClinVar variation 4715036 (VCV004715036.1).

ClinVar aggregate classification (germline): Uncertain significance (1 of 4 stars; one submission).

Submission:

Labcorp Genetics (formerly Invitae), Labcorp
Classification: Uncertain significance. Last evaluated: 2025-04-28. Review status: criteria provided, single submitter. Criteria: Invitae Variant Classification Sherloc (09022015). Collection method: clinical testing. Allele origin: germline.
Comment: This sequence change replaces asparagine, which is neutral and polar, with lysine, which is basic and polar, at codon 1400 of the ANKRD26 protein (p.Asn1400Lys). This variant is not present in population databases (gnomAD no frequency). This variant has not been reported in the literature in individuals affected with ANKRD26-related conditions. An algorithm developed to predict the effect of missense changes on protein structure and function outputs the following: PolyPhen-2: "Benign". The lysine amino acid residue is found in multiple mammalian species, which suggests that this missense change does not adversely affect protein function. In summary, the available evidence is currently insufficient to determine the role of this variant in disease. Therefore, it has been classified as a Variant of Uncertain Significance.